The following is an entry in ClinVar:

NM_006516.4(SLC2A1):c.931A>G (p.Ile311Val)

Gene: SLC2A1 (solute carrier family 2 member 1; minus strand). Cytogenetic location: 1p34.2.
Variant type: single nucleotide variant.
Coding change: c.931A>G on transcript NM_006516.4 (MANE Select); coding-DNA position 931, A replaced by G.
Protein change: p.Ile311Val; replaces isoleucine 311 with valine.
Molecular consequence: missense variant.
Genome position (GRCh38, 1-based): chr1:42,929,251, T>C on the plus strand (A>G on the coding strand, the complement: SLC2A1 is on the minus strand). VCF-style: chr1-42929251-T-C. GRCh37 (hg19) VCF-style: chr1-43394922-T-C.
Other names: short protein forms I311V.
Identifiers: ClinVar variation 2733717 (VCV002733717.3), dbSNP rs2524989991, ClinGen allele CA339956607.

ClinVar aggregate classification (germline): Uncertain significance (1 of 4 stars; one submission).

Conditions:
GLUT1 deficiency syndrome 1, autosomal recessive. Identifiers: MedGen C3149117.

Submission:

Labcorp Genetics (formerly Invitae), Labcorp
Classification: Uncertain significance for GLUT1 deficiency syndrome 1, autosomal recessive. Last evaluated: 2023-08-11. Review status: criteria provided, single submitter. Criteria: Invitae Variant Classification Sherloc (09022015). Collection method: clinical testing. Allele origin: germline.
Comment: Advanced modeling of protein sequence and biophysical properties (such as structural, functional, and spatial information, amino acid conservation, physicochemical variation, residue mobility, and thermodynamic stability) has been performed at Invitae for this missense variant, however the output from this modeling did not meet the statistical confidence thresholds required to predict the impact of this variant on SLC2A1 protein function. This variant has not been reported in the literature in individuals affected with SLC2A1-related conditions. This variant is not present in population databases (gnomAD no frequency). This sequence change replaces isoleucine, which is neutral and non-polar, with valine, which is neutral and non-polar, at codon 311 of the SLC2A1 protein (p.Ile311Val). In summary, the available evidence is currently insufficient to determine the role of this variant in disease. Therefore, it has been classified as a Variant of Uncertain Significance.